The following is an entry in ClinVar:

ClinVar aggregate classification (germline): Pathogenic (1 of 4 stars; one submission).

Submission:

GeneDx
Classification: Pathogenic. Last evaluated: 2017-06-01. Review status: criteria provided, single submitter. Criteria: GeneDx Variant Classification (06012015). Collection method: clinical testing. Allele origin: germline. Affected: yes.
Comment: The c.3016dupG variant in the IQSEC2 gene has not been reported previously as a pathogenic variant nor as a benign variant, to our knowledge. The c.3016dupG variant causes a frameshift starting with codon Valine 1006, changes this amino acid to a Glycine residue, and creates a premature Stop codon at position 100 of the new reading frame, denoted p.Val1006GlyfsX100. This variant is predicted to cause loss of normal protein function either through protein truncation or nonsense-mediated mRNA decay. The c.3016dupG variant is not observed in large population cohorts (Lek et al., 2016; 1000 Genomes Consortium et al., 2015; Exome Variant Server). We interpret c.3016dupG as a pathogenic variant.

NM_001111125.3(IQSEC2):c.3016-1dup

Gene: IQSEC2 (IQ motif and Sec7 domain ArfGEF 2; minus strand). Cytogenetic location: Xp11.22.
Variant type: Duplication.
Coding change: c.3016-1dup on transcript NM_001111125.3 (MANE Select); the canonical splice acceptor site of the intron before coding-DNA position 3016, one base duplicated (G; older notation c.3016-1dupG).
Molecular consequence: splice acceptor variant.
Genome position (GRCh38, 1-based): chrX:53,239,294, C duplicated on the plus strand (G on the coding strand, the reverse complement: IQSEC2 is on the minus strand); the first of 2 consecutive C bases (chrX:53,239,294-53,239,295); duplicating either gives the same sequence. VCF-style (leftmost placement, unchanged base first): chrX-53239293-A-AC. GRCh37 (hg19) VCF-style: chrX-53268475-A-AC.
Other names: c.2401-1dup (NM_015075.2).
Identifiers: ClinVar variation 432658 (VCV000432658.2), dbSNP rs1556860401, ClinGen allele CA645372679.